The following is an entry in ClinVar:

ClinVar aggregate classification (germline): Uncertain significance (1 of 4 stars; one submission).

Conditions:
3-methylglutaconic aciduria, type VIIB (MGCA7B). Also called: CLPB Deficiency; 3-methylglutaconic aciduria with cataracts, neurologic involvement and neutropenia; 3-methylglutaconic aciduria, type VII, with cataracts, neurologic involvement and neutropenia. Identifiers: Orphanet 445038, MedGen C5676893, MONDO:0014561, OMIM 616271.

gnomAD v4.1: 1 of 1,612,012 alleles (0.000062%); highest among the groups gnomAD compares: Admixed American, 0.0017%; no homozygotes.

Submission:

Labcorp Genetics (formerly Invitae), Labcorp
Classification: Uncertain significance for 3-methylglutaconic aciduria, type VIIB. Last evaluated: 2024-10-16. Review status: criteria provided, single submitter. Criteria: Invitae Variant Classification Sherloc (09022015). Collection method: clinical testing. Allele origin: germline.
Comment: This sequence change replaces valine, which is neutral and non-polar, with leucine, which is neutral and non-polar, at codon 37 of the CLPB protein (p.Val37Leu). This variant is present in population databases (rs773901608, gnomAD 0.003%). This variant has not been reported in the literature in individuals affected with CLPB-related conditions. ClinVar contains an entry for this variant (Variation ID: 1479443). An algorithm developed to predict the effect of missense changes on protein structure and function outputs the following: PolyPhen-2: "Benign". The leucine amino acid residue is found in multiple mammalian species, which suggests that this missense change does not adversely affect protein function. In summary, the available evidence is currently insufficient to determine the role of this variant in disease. Therefore, it has been classified as a Variant of Uncertain Significance.

NM_001258392.3(CLPB):c.109G>C (p.Val37Leu)

Genes: CLPB (ClpB family mitochondrial disaggregase; minus strand), LOC130006336 (ATAC-STARR-seq lymphoblastoid active region 5191; plus strand). Cytogenetic location: 11q13.4.
Variant type: single nucleotide variant.
Coding change: c.109G>C on transcript NM_001258392.3 (MANE Select); coding-DNA position 109, G replaced by C.
Protein change: p.Val37Leu; replaces valine 37 with leucine.
Molecular consequence: missense variant. On other transcripts: 5 prime UTR variant (1).
Genome position (GRCh38, 1-based): chr11:72,434,366, C>G on the plus strand (G>C on the coding strand, the complement: CLPB is on the minus strand). VCF-style: chr11-72434366-C-G. GRCh37 (hg19) VCF-style: chr11-72145410-C-G.
Other names: c.109G>C, p.Val37Leu (NM_001258393.3, NM_030813.6); c.-134G>C (NM_001258394.3); short protein forms V37L.
Identifiers: ClinVar variation 1479443 (VCV001479443.8), dbSNP rs773901608, ClinGen allele CA6171677.
Genomic context (GRCh38, chr11:72,434,366, plus strand): 5'-CAGGGCGCCCCCCGGTGGCTACCCTCAGCCACTGCGGCTCCCCGAGACTCCCAGTAGTCA[C>G]ATTCCGGCCGGAAGCACCTCCATGGCCCCGGAGCGTTGGGGACCTGAGCAGCCGGAGGAG-3'
Protein context (NP_001245321.1, residues 27-47): RGHGGASGRN[Val37Leu]TTGSLGEPQW